The following is an entry in ClinVar:

NM_207037.2(TCF12):c.372_388del (p.Gly125fs)

Gene: TCF12 (transcription factor 12; plus strand). Cytogenetic location: 15q21.3.
Variant type: Deletion.
Coding change: c.372_388del on transcript NM_207037.2 (MANE Select); coding-DNA positions 372 to 388, 17 bases deleted (TGGATTACCAGGCTGTC).
Protein change: p.Gly125fs; shifts the reading frame from glycine 125.
Molecular consequence: frameshift variant. On other transcripts: 5 prime UTR variant (1).
Genome position (GRCh38, 1-based): chr15:57,166,448-57,166,464, TGGATTACCAGGCTGTC deleted; deleting any 17 consecutive bases within chr15:57,166,447-57,166,464 gives the same sequence; the c. name uses the placement nearest the transcript's 3' end. VCF-style (leftmost placement, unchanged base first): chr15-57166446-ACTGGATTACCAGGCTGT-A. GRCh37 (hg19) VCF-style: chr15-57458644-ACTGGATTACCAGGCTGT-A.
Other names: c.372_388del, p.Gly125fs (NM_001322159.3, NM_001322161.2, NM_001322162.2 and 7 more transcripts); c.408_424del, p.Gly137fs (NM_001322164.2); c.-281_-265del (NM_001322154.2); c.198_214del, p.Gly67fs (NM_001322156.2, NM_001322158.2); c.372_388del (NM_003205.3); short protein forms G125fs, G137fs, G67fs.
Identifiers: ClinVar variation 4888361 (VCV004888361.1).

ClinVar aggregate classification (germline): Pathogenic (1 of 4 stars; one submission).

Conditions:
TCF12-related craniosynostosis. Also called: Craniosynostosis 3. Identifiers: Orphanet 35098, Orphanet 35099, Orphanet 672979, MedGen C3715051, MONDO:0014128, OMIM 615314.

Submission:

New York Genome Center
Classification: Pathogenic for TCF12-related craniosynostosis. Last evaluated: 2023-12-18. Review status: criteria provided, single submitter. Criteria: NYGC Assertion Criteria 2020. Collection method: clinical testing. Allele origin: de novo. Affected: yes. Observed: 1 variant allele, 1 heterozygote.
Comment: The c.372_388del variant in TCF12 has not previously been reported in the literature or public variant repositories (ClinVar and LOVD), and is absent from population databases (gnomAD v4.0 and All of Us), suggesting it is not a common benign variant in the populations represented in those databases. However, multiple frameshift and premature termination variants have been reported in the literature in individuals with TCF12-related disorders [PMID: 23354436]. The c.372_388del variant is located in exon 6 of 20 in the MANE select transcript (NM_207037.2) of this gene and is predicted to result in premature termination at amino acid position 127 and subsequent degradation of the mRNA by nonsense mediated mRNA decay. Based on the available evidence, the de novo c.372_388del,p.(Gly125IlefsTer2) frameshift variant is classified as Pathogenic.